The following is an entry in ClinVar:

ClinVar aggregate classification (germline): Pathogenic. Review status: criteria provided, multiple submitters, no conflicts (2 of 4 stars). 5 submissions from 5 submitters: Pathogenic (5). Last evaluated 2026-03-04.

Conditions:
CNGB1-related disorder. Also called: CNGB1-related condition.
Retinitis pigmentosa 45 (RP45). Identifiers: Orphanet 791, MedGen C3151066, MONDO:0013413, OMIM 613767.

Allele frequency attached by ClinVar (database versions not stated): gnomAD 0.00001; gnomAD exomes 0.00001; TOPMed 0.00001.
gnomAD v4.1: 26 of 1,614,060 alleles (0.0016%); highest among the groups gnomAD compares: Non-Finnish European, 0.0022%; no homozygotes.

Submissions (5):

PreventionGenetics, part of Exact Sciences
Classification: Pathogenic for CNGB1-related condition. Last evaluated: 2026-03-04. Review status: criteria provided, single submitter. Criteria: ACMG Guidelines, 2015. Collection method: clinical testing. Allele origin: germline.
Comment: The CNGB1 c.2508C>A variant is predicted to result in premature protein termination (p.Tyr836*). This variant was reported in individuals with retinal disease (see, for example, supplementary data, Consugar et al. 2015. PubMed ID: 25412400; supplementary data, Zampaglione et al. 2020. PubMed ID: 32037395; Petersen-Jones et al. 2017. PubMed ID: 29202463). This variant is reported in 0.0016% of alleles in individuals of European (Non-Finnish) descent in gnomAD. Nonsense variants in CNGB1 are expected to be pathogenic. This variant is interpreted as pathogenic.

GeneDx
Classification: Pathogenic. Last evaluated: 2024-03-25. Review status: criteria provided, single submitter. Criteria: GeneDx Variant Classification Process June 2021. Collection method: clinical testing. Allele origin: germline. Affected: yes.
Comment: Nonsense variant predicted to result in protein truncation or nonsense mediated decay in a gene for which loss of function is a known mechanism of disease; Not observed at significant frequency in large population cohorts (gnomAD); This variant is associated with the following publications: (PMID: 34906470, 25412400, 29202463, 32037395, 31964843, 33847019)

Labcorp Genetics (formerly Invitae), Labcorp
Classification: Pathogenic. Last evaluated: 2022-08-31. Review status: criteria provided, single submitter. Criteria: Invitae Variant Classification Sherloc (09022015). Collection method: clinical testing. Allele origin: germline.
Comment: This variant is present in population databases (no rsID available, gnomAD 0.002%). This sequence change creates a premature translational stop signal (p.Tyr836*) in the CNGB1 gene. It is expected to result in an absent or disrupted protein product. Loss-of-function variants in CNGB1 are known to be pathogenic (PMID: 15557452, 24043777). This premature translational stop signal has been observed in individual(s) with retinitis pigmentosa (PMID: 25412400, 29202463). In at least one individual the data is consistent with being in trans (on the opposite chromosome) from a pathogenic variant. For these reasons, this variant has been classified as Pathogenic. ClinVar contains an entry for this variant (Variation ID: 420589).

Ocular Genomics Institute, Massachusetts Eye and Ear
Classification: Pathogenic for Retinitis pigmentosa 45. Last evaluated: 2021-04-08. Review status: criteria provided, single submitter. Criteria: ACMG Guidelines, 2015. Collection method: research. Allele origin: germline. Affected: yes.
Comment: Through a review of available evidence we were able to apply the following criteria: PVS1, PM2, PM3, PP1, PP5. Based on this evidence we have classified this variant as Pathogenic.

Blueprint Genetics
Classification: Pathogenic for CNGB1-related disorders. Last evaluated: 2020-09-03. Review status: criteria provided, single submitter. Criteria: ACMG Guidelines, 2015. Collection method: clinical testing. Allele origin: germline. Affected: yes. Observed: 4 variant alleles.

Literature cited by the submitters: PubMed 15557452 (cited by Labcorp Genetics (formerly Invitae), Labcorp); PubMed 24043777 (cited by Labcorp Genetics (formerly Invitae), Labcorp); PubMed 25412400 (cited by Labcorp Genetics (formerly Invitae), Labcorp and Ocular Genomics Institute, Massachusetts Eye and Ear); PubMed 29202463 (cited by Labcorp Genetics (formerly Invitae), Labcorp).

NM_001297.5(CNGB1):c.2508C>A (p.Tyr836Ter)

Gene: CNGB1 (cyclic nucleotide gated channel subunit beta 1; minus strand). Cytogenetic location: 16q21.
Variant type: single nucleotide variant.
Coding change: c.2508C>A on transcript NM_001297.5 (MANE Select); coding-DNA position 2508, C replaced by A.
Protein change: p.Tyr836Ter; replaces tyrosine 836 with a stop codon.
Molecular consequence: nonsense.
Genome position (GRCh38, 1-based): chr16:57,904,860, G>T on the plus strand (C>A on the coding strand, the complement: CNGB1 is on the minus strand). VCF-style: chr16-57904860-G-T. GRCh37 (hg19) VCF-style: chr16-57938764-G-T.
Other names: c.2490C>A, p.Tyr830Ter (NM_001286130.2); short protein forms Y836*, Y830*.
Identifiers: ClinVar variation 420589 (VCV000420589.15), dbSNP rs1064794573, ClinGen allele CA16620218.